The following is an entry in ClinVar:

NM_015057.5(MYCBP2):c.1189-4G>T

Gene: MYCBP2 (MYC binding protein 2; minus strand). Cytogenetic location: 13q22.3.
Variant type: single nucleotide variant.
Coding change: c.1189-4G>T on transcript NM_015057.5 (MANE Select); 4 bases into the intron before coding-DNA position 1189, G replaced by T.
Molecular consequence: intron variant.
Genome position (GRCh38, 1-based): chr13:77,270,067, C>A on the plus strand (G>T on the coding strand, the complement: MYCBP2 is on the minus strand). VCF-style: chr13-77270067-C-A. GRCh37 (hg19) VCF-style: chr13-77844202-C-A.
Identifiers: ClinVar variation 734932 (VCV000734932.6), dbSNP rs184831840, ClinGen allele CA7010543.

ClinVar aggregate classification (germline): Benign/Likely benign. Review status: criteria provided, multiple submitters, no conflicts (2 of 4 stars). 3 submissions from 3 submitters: Benign (2); Likely benign (1). Last evaluated 2026-06-21.

Conditions:
MYCBP2-related disorder. Also called: MYCBP2-related condition.

Allele frequency attached by ClinVar (database versions not stated): gnomAD exomes 0.00006 and 0.00015; ExAC 0.00017; ESP Exome Variant Server 0.00031; gnomAD 0.00058 and 0.00061; TOPMed 0.00071; 1000 Genomes Project 0.00080.
gnomAD v4.1: 170 of 1,581,404 alleles (0.011%); highest among the groups gnomAD compares: African/African-American, 0.2%; no homozygotes.

Submissions (3):

PreventionGenetics, part of Exact Sciences
Classification: Likely benign for MYCBP2-related condition. Last evaluated: 2026-06-21. Review status: criteria provided, single submitter. Criteria: ACMG Guidelines, 2015. Collection method: clinical testing. Allele origin: germline.
Comment: This variant is classified as likely benign based on ACMG/AMP sequence variant interpretation guidelines (Richards et al. 2015 PMID: 25741868, with internal and published modifications).

Labcorp Genetics (formerly Invitae), Labcorp
Classification: Benign. Last evaluated: 2019-12-31. Review status: criteria provided, single submitter. Criteria: Invitae Variant Classification Sherloc (09022015). Collection method: clinical testing. Allele origin: germline.

Breakthrough Genomics
Classification: Benign. Review status: criteria provided, single submitter. Criteria: ACMG Guidelines, 2015. Collection method: not provided. Allele origin: germline. Inheritance: Unknown mechanism. Affected: yes.